The following is an entry in ClinVar:

NM_007279.3(U2AF2):c.531G>A (p.Gly177=)

Gene: U2AF2 (U2 small nuclear RNA auxiliary factor 2; plus strand). Cytogenetic location: 19q13.42.
Variant type: single nucleotide variant.
Coding change: c.531G>A on transcript NM_007279.3 (MANE Select); coding-DNA position 531, G replaced by A.
Protein change: p.Gly177=; no amino-acid change (glycine 177 retained).
Molecular consequence: synonymous variant.
Genome position (GRCh38, 1-based): chr19:55,662,546, G>A. VCF-style: chr19-55662546-G-A. GRCh37 (hg19) VCF-style: chr19-56173912-G-A.
Other names: c.531G>A, p.Gly177= (NM_001012478.2).
Identifiers: ClinVar variation 4873310 (VCV004873310.2).

ClinVar aggregate classification (germline): Likely benign (1 of 4 stars; one submission).

gnomAD v4.1: 124 of 1,612,932 alleles (0.0077%); highest among the groups gnomAD compares: Admixed American, 0.023%; no homozygotes.

Submission:

CeGaT Center for Human Genetics Tuebingen
Classification: Likely benign. Last evaluated: 2026-06-01. Review status: criteria provided, single submitter. Criteria: CeGaT Center For Human Genetics Tuebingen Variant Classification Criteria Version 2. Collection method: clinical testing. Allele origin: germline. Affected: yes. Observed: 2 variant alleles.
Comment: U2AF2: BP4, BP7